The following is an entry in ClinVar:

ClinVar aggregate classification (germline): Likely benign. Review status: criteria provided, multiple submitters, no conflicts (2 of 4 stars). 2 submissions from 2 submitters: Likely benign (2). Last evaluated 2024-08-01.

Allele frequency attached by ClinVar (database versions not stated): 1000 Genomes Project 30x 0.00031; 1000 Genomes Project 0.00040; ExAC 0.00043; TOPMed 0.00057; gnomAD 0.00062; gnomAD exomes 0.00062.
gnomAD v4.1: 966 of 1,566,310 alleles (0.062%); highest among the groups gnomAD compares: Admixed American, 0.085%; 1 homozygote.

Submissions (2):

CeGaT Center for Human Genetics Tuebingen
Classification: Likely benign. Last evaluated: 2024-08-01. Review status: criteria provided, single submitter. Criteria: CeGaT Center For Human Genetics Tuebingen Variant Classification Criteria Version 2. Collection method: clinical testing. Allele origin: germline. Affected: yes. Observed: 4 variant alleles.
Comment: MBD5: BP4, BP7

Blueprint Genetics
Classification: Likely benign. Last evaluated: 2022-12-20. Review status: criteria provided, single submitter. Criteria: ACMG Guidelines, 2015. Collection method: clinical testing. Allele origin: germline.

NM_001378120.1(MBD5):c.2979T>C (p.Leu993=)

Gene: MBD5 (methyl-CpG binding domain protein 5; plus strand). Cytogenetic location: 2q23.1.
Variant type: single nucleotide variant.
Coding change: c.2979T>C on transcript NM_001378120.1 (MANE Select); coding-DNA position 2979, T replaced by C.
Protein change: p.Leu993=; no amino-acid change (leucine 993 retained).
Molecular consequence: synonymous variant. On other transcripts: intron variant (1).
Genome position (GRCh38, 1-based): chr2:148,483,570, T>C. VCF-style: chr2-148483570-T-C. GRCh37 (hg19) VCF-style: chr2-149241139-T-C.
Other names: c.2845+134T>C (NM_018328.5).
Identifiers: ClinVar variation 2651413 (VCV002651413.25), dbSNP rs201400772, ClinGen allele CA1900242.
Genomic context (GRCh38, chr2:148,483,570, plus strand): 5'-CAGTGACATGGATGGGCAGGTATTGCAGCCTGTTCACTTTCAGCTCTTAGCAGCCTTGCT[T>C]CAGAACCAAGCCCAAGCAGCTGCCATGCTTCCCCTGCCATCTTTCAATCTGACCATCTCA-3'
Protein context (NP_001365049.1, residues 983-1003): PVHFQLLAAL[Leu993=]QNQAQAAAML